The following is an entry in ClinVar:

ClinVar aggregate classification (germline): Uncertain significance (1 of 4 stars; one submission).

Allele frequency attached by ClinVar (database versions not stated): gnomAD exomes 0.00006; 1000 Genomes Project 30x 0.00016; ExAC 0.00016; 1000 Genomes Project 0.00020; ESP Exome Variant Server 0.00054; gnomAD 0.00054; TOPMed 0.00054.
gnomAD v4.1: 166 of 1,614,126 alleles (0.01%); highest among the groups gnomAD compares: African/African-American, 0.2%; no homozygotes.

Submission:

Labcorp Genetics (formerly Invitae), Labcorp
Classification: Uncertain significance. Last evaluated: 2026-01-27. Review status: criteria provided, single submitter. Criteria: Invitae Variant Classification Sherloc (09022015). Collection method: clinical testing. Allele origin: germline.
Comment: This sequence change replaces proline, which is neutral and non-polar, with arginine, which is basic and polar, at codon 66 of the NDUFB10 protein (p.Pro66Arg). This variant is present in population databases (rs144054576, gnomAD 0.2%), and has an allele count higher than expected for a pathogenic variant. This variant has not been reported in the literature in individuals affected with NDUFB10-related conditions. ClinVar contains an entry for this variant (Variation ID: 2044090). An algorithm developed to predict the effect of missense changes on protein structure and function (PolyPhen-2) suggests that this variant is likely to be disruptive. In summary, the available evidence is currently insufficient to determine the role of this variant in disease. Therefore, it has been classified as a Variant of Uncertain Significance.

NM_004548.3(NDUFB10):c.197C>G (p.Pro66Arg)

Gene: NDUFB10 (NADH:ubiquinone oxidoreductase subunit B10; plus strand). Cytogenetic location: 16p13.3.
Variant type: single nucleotide variant.
Coding change: c.197C>G on transcript NM_004548.3 (MANE Select); coding-DNA position 197, C replaced by G.
Protein change: p.Pro66Arg; replaces proline 66 with arginine.
Molecular consequence: missense variant.
Genome position (GRCh38, 1-based): chr16:1,961,219, C>G. VCF-style: chr16-1961219-C-G. GRCh37 (hg19) VCF-style: chr16-2011220-C-G.
Other names: short protein forms P66R.
Identifiers: ClinVar variation 2044090 (VCV002044090.4), dbSNP rs144054576, ClinGen allele CA7823277.